The following is an entry in ClinVar:

NM_001903.5(CTNNA1):c.2538A>C (p.Ser846=)

Gene: CTNNA1 (catenin alpha 1; plus strand). Cytogenetic location: 5q31.2.
Variant type: single nucleotide variant.
Coding change: c.2538A>C on transcript NM_001903.5 (MANE Select); coding-DNA position 2538, A replaced by C.
Protein change: p.Ser846=; no amino-acid change (serine 846 retained).
Molecular consequence: synonymous variant. On other transcripts: 3 prime UTR variant (5).
Genome position (GRCh38, 1-based): chr5:138,933,906, A>C. VCF-style: chr5-138933906-A-C. GRCh37 (hg19) VCF-style: chr5-138269595-A-C.
Other names: c.2538A>C (NM_001903.2); c.*83A>C (NM_001290307.3, NM_001324002.1, NM_001324003.1 and 2 more transcripts); c.2229A>C, p.Ser743= (NM_001290309.3); c.2169A>C, p.Ser723= (NM_001290310.3); c.1428A>C, p.Ser476= (NM_001290312.1, NM_001323987.1, NM_001323988.1 and 12 more transcripts); c.2538A>C, p.Ser846= (NM_001323982.2, NM_001323983.1, NM_001323984.2); c.2511A>C, p.Ser837= (NM_001323985.2); c.2445A>C, p.Ser815= (NM_001323986.2); and 4 more.
Identifiers: ClinVar variation 1642401 (VCV001642401.10), dbSNP rs2150359008, ClinGen allele CA446793207.

ClinVar aggregate classification (germline): Benign/Likely benign. Review status: criteria provided, multiple submitters, no conflicts (2 of 4 stars). 3 submissions from 3 submitters: Benign (1); Likely benign (2). Last evaluated 2025-08-25.

Conditions:
Hereditary cancer-predisposing syndrome. Also called: Tumor predisposition; Hereditary neoplastic syndrome; Neoplastic Syndromes, Hereditary; Hereditary Cancer Syndrome. Identifiers: Orphanet 140162, MedGen C0027672, MeSH D009386, MONDO:0015356.
Hereditary diffuse gastric adenocarcinoma (HDGC). Also called: DIFFUSE GASTRIC AND LOBULAR BREAST CANCER SYNDROME. Identifiers: Orphanet 26106, MedGen C1708349, MONDO:0007648, OMIM 137215.

Submissions (3):

Labcorp Genetics (formerly Invitae), Labcorp
Classification: Likely benign. Last evaluated: 2025-08-25. Review status: criteria provided, single submitter. Criteria: Invitae Variant Classification Sherloc (09022015). Collection method: clinical testing. Allele origin: germline.

Myriad Genetics, Inc.
Classification: Benign for Hereditary diffuse gastric adenocarcinoma. Last evaluated: 2024-10-15. Review status: criteria provided, single submitter. Criteria: Myriad Autosomal Dominant, Autosomal Recessive and X-Linked Classification Criteria (2023). Collection method: clinical testing. Allele origin: unknown.
Comment: This variant is considered benign. This variant is a silent/synonymous amino acid change and it is not expected to impact splicing.

Ambry Genetics
Classification: Likely benign for Hereditary cancer-predisposing syndrome. Last evaluated: 2023-08-29. Review status: criteria provided, single submitter. Criteria: Ambry Variant Classification Scheme 2023. Collection method: clinical testing. Allele origin: germline.